The following is an entry in ClinVar:

NM_000199.5(SGSH):c.1208A>G (p.Tyr403Cys)

Gene: SGSH (N-sulfoglucosamine sulfohydrolase; minus strand). Cytogenetic location: 17q25.3.
Variant type: single nucleotide variant.
Coding change: c.1208A>G on transcript NM_000199.5 (MANE Select); coding-DNA position 1208, A replaced by G.
Protein change: p.Tyr403Cys; replaces tyrosine 403 with cysteine.
Molecular consequence: missense variant. On other transcripts: 3 prime UTR variant (2), non-coding transcript variant (1).
Genome position (GRCh38, 1-based): chr17:80,210,753, T>C on the plus strand (A>G on the coding strand, the complement: SGSH is on the minus strand). VCF-style: chr17-80210753-T-C. GRCh37 (hg19) VCF-style: chr17-78184552-T-C.
Other names: c.*295A>G (NM_001352921.3); c.*258A>G (NM_001352922.2); short protein forms Y403C.
Identifiers: ClinVar variation 2196292 (VCV002196292.2), dbSNP rs2041612831, ClinGen allele CA401358910.

ClinVar aggregate classification (germline): Uncertain significance (1 of 4 stars; one submission).

Conditions:
Mucopolysaccharidosis, MPS-III-A (MPS3A). Also called: HEPARAN SULFATE SULFATASE DEFICIENCY; SANFILIPPO SYNDROME A; SULFAMIDASE DEFICIENCY; MPS III A; MUCOPOLYSACCHARIDOSIS, TYPE IIIA, ATTENUATED; Mucopolysaccharidosis type IIIA (Sanfilippo A). Identifiers: Orphanet 581, Orphanet 79269, MedGen C0086647, MONDO:0009655, OMIM 252900.

Allele frequency attached by ClinVar (database versions not stated): gnomAD exomes below 0.00001; TOPMed below 0.00001.

Submission:

Labcorp Genetics (formerly Invitae), Labcorp
Classification: Uncertain significance for Mucopolysaccharidosis, MPS-III-A. Last evaluated: 2022-05-13. Review status: criteria provided, single submitter. Criteria: Invitae Variant Classification Sherloc (09022015). Collection method: clinical testing. Allele origin: germline.
Comment: This sequence change replaces tyrosine, which is neutral and polar, with cysteine, which is neutral and slightly polar, at codon 403 of the SGSH protein (p.Tyr403Cys). This variant is not present in population databases (gnomAD no frequency). This variant has not been reported in the literature in individuals affected with SGSH-related conditions. Algorithms developed to predict the effect of missense changes on protein structure and function (SIFT, PolyPhen-2, Align-GVGD) all suggest that this variant is likely to be disruptive. In summary, the available evidence is currently insufficient to determine the role of this variant in disease. Therefore, it has been classified as a Variant of Uncertain Significance.